The following is an entry in ClinVar:

NM_003737.4(DCHS1):c.5603T>C (p.Val1868Ala)

Gene: DCHS1 (dachsous cadherin-related 1; minus strand). Cytogenetic location: 11p15.4.
Variant type: single nucleotide variant.
Coding change: c.5603T>C on transcript NM_003737.4 (MANE Select); coding-DNA position 5603, T replaced by C.
Protein change: p.Val1868Ala; replaces valine 1868 with alanine.
Molecular consequence: missense variant.
Genome position (GRCh38, 1-based): chr11:6,627,436, A>G on the plus strand (T>C on the coding strand, the complement: DCHS1 is on the minus strand). VCF-style: chr11-6627436-A-G. GRCh37 (hg19) VCF-style: chr11-6648667-A-G.
Other names: short protein forms V1868A.
Identifiers: ClinVar variation 2116224 (VCV002116224.4), dbSNP rs1855827942, ClinGen allele CA379393939.
Genomic context (GRCh38, chr11:6,627,436, plus strand): 5'-CCATTAGCTCCAGCATCAGGGTCATGAGCCTGTAGCTGCAGCAGCAGGGTCCCTGCAGGC[A>G]CATCCTCCGGCACCTCCACCGAGTAGGCAGGCACAGGAAAGGCTGGAGCATGGTCATTGG-3'
Protein context (NP_003728.1, residues 1858-1878): PAYSVEVPED[Val1868Ala]PAGTLLLQLQ

ClinVar aggregate classification (germline): Uncertain significance (1 of 4 stars; one submission).

Allele frequency attached by ClinVar (database versions not stated): gnomAD 0.00001.
gnomAD v4.1: 1 of 1,610,674 alleles (0.000062%); highest among the groups gnomAD compares: African/African-American, 0.0013%; no homozygotes.

Submission:

Labcorp Genetics (formerly Invitae), Labcorp
Classification: Uncertain significance. Last evaluated: 2022-03-23. Review status: criteria provided, single submitter. Criteria: Invitae Variant Classification Sherloc (09022015). Collection method: clinical testing. Allele origin: germline.
Comment: This variant is not present in population databases (gnomAD no frequency). This sequence change replaces valine, which is neutral and non-polar, with alanine, which is neutral and non-polar, at codon 1868 of the DCHS1 protein (p.Val1868Ala). In summary, the available evidence is currently insufficient to determine the role of this variant in disease. Therefore, it has been classified as a Variant of Uncertain Significance. Advanced modeling of protein sequence and biophysical properties (such as structural, functional, and spatial information, amino acid conservation, physicochemical variation, residue mobility, and thermodynamic stability) performed at Invitae indicates that this missense variant is not expected to disrupt DCHS1 protein function. This variant has not been reported in the literature in individuals affected with DCHS1-related conditions.